The following is an entry in ClinVar:

NM_152722.5(HEPACAM):c.907G>A (p.Glu303Lys)

Gene: HEPACAM (hepatic and glial cell adhesion molecule; minus strand). Cytogenetic location: 11q24.2.
Variant type: single nucleotide variant.
Coding change: c.907G>A on transcript NM_152722.5 (MANE Select); coding-DNA position 907, G replaced by A.
Protein change: p.Glu303Lys; replaces glutamic acid 303 with lysine.
Molecular consequence: missense variant.
Genome position (GRCh38, 1-based): chr11:124,922,429, C>T on the plus strand (G>A on the coding strand, the complement: HEPACAM is on the minus strand). VCF-style: chr11-124922429-C-T. GRCh37 (hg19) VCF-style: chr11-124792325-C-T.
Other names: c.1063G>A, p.Glu355Lys (NM_001411043.1); short protein forms E303K, E355K.
Identifiers: ClinVar variation 2417437 (VCV002417437.6), dbSNP rs969772037, ClinGen allele CA230385154.
Genomic context (GRCh38, chr11:124,922,429, plus strand): 5'-CCAGTCCAGAGCCGCTCACCTTGTCCTTCAGGATATAGAGTGCCATGGGGTTCTTCCGTT[C>T]CTGCTCACCACTTCGAGGGAGGGTGTCTGCTGCACAGGGGAGAGAAGCGGGTGGCTGGCC-3'
Protein context (NP_689935.2, residues 293-313): ADTLPRSGEQ[Glu303Lys]RKNPMALYIL

ClinVar aggregate classification (germline): Uncertain significance (1 of 4 stars; one submission).

Allele frequency attached by ClinVar (database versions not stated): gnomAD exomes 0.00001; TOPMed 0.00002.

Submission:

Labcorp Genetics (formerly Invitae), Labcorp
Classification: Uncertain significance. Last evaluated: 2023-10-03. Review status: criteria provided, single submitter. Criteria: Invitae Variant Classification Sherloc (09022015). Collection method: clinical testing. Allele origin: germline.
Comment: This sequence change replaces glutamic acid, which is acidic and polar, with lysine, which is basic and polar, at codon 303 of the HEPACAM protein (p.Glu303Lys). This variant is present in population databases (no rsID available, gnomAD 0.02%). This variant has not been reported in the literature in individuals affected with HEPACAM-related conditions. ClinVar contains an entry for this variant (Variation ID: 2417437). Advanced modeling of protein sequence and biophysical properties (such as structural, functional, and spatial information, amino acid conservation, physicochemical variation, residue mobility, and thermodynamic stability) performed at Invitae indicates that this missense variant is not expected to disrupt HEPACAM protein function. In summary, the available evidence is currently insufficient to determine the role of this variant in disease. Therefore, it has been classified as a Variant of Uncertain Significance.